The following is an entry in ClinVar:

ClinVar aggregate classification (germline): Uncertain significance. Review status: criteria provided, multiple submitters, no conflicts (2 of 4 stars). 3 submissions from 3 submitters: Uncertain significance (3). Last evaluated 2025-07-18.

Conditions:
Global developmental delay - lung cysts - overgrowth - Wilms tumor syndrome. Also called: GLOBAL DEVELOPMENTAL DELAY, LUNG CYSTS, OVERGROWTH, AND WILMS TUMOR; GLOW Syndrome. Identifiers: Orphanet 404476, MedGen C4748924, MONDO:0018445, OMIM 618272.
DICER1-related tumor predisposition. Also called: DICER1-related pleuropulmonary blastoma cancer predisposition syndrome; DICER1 syndrome. Identifiers: Orphanet 284343, MedGen C3839822, MONDO:0100216.
Hereditary cancer-predisposing syndrome. Also called: Neoplastic Syndromes, Hereditary; Hereditary Cancer Syndrome; Hereditary neoplastic syndrome; Tumor predisposition. Identifiers: Orphanet 140162, MedGen C0027672, MeSH D009386, MONDO:0015356.

Allele frequency attached by ClinVar (database versions not stated): TOPMed 0.00001.
gnomAD v4.1: 4 of 1,609,852 alleles (0.00025%); highest among the groups gnomAD compares: African/African-American, 0.0054%; no homozygotes.

Submissions (3):

Labcorp Genetics (formerly Invitae), Labcorp
Classification: Uncertain significance for DICER1-related tumor predisposition. Last evaluated: 2025-07-18. Review status: criteria provided, single submitter. Criteria: Invitae Variant Classification Sherloc (09022015). Collection method: clinical testing. Allele origin: germline.
Comment: This sequence change replaces alanine, which is neutral and non-polar, with glycine, which is neutral and non-polar, at codon 1409 of the DICER1 protein (p.Ala1409Gly). This variant is present in population databases (no rsID available, gnomAD 0.009%). This variant has not been reported in the literature in individuals affected with DICER1-related conditions. ClinVar contains an entry for this variant (Variation ID: 824694). Invitae Evidence Modeling of protein sequence and biophysical properties (such as structural, functional, and spatial information, amino acid conservation, physicochemical variation, residue mobility, and thermodynamic stability) indicates that this missense variant is not expected to disrupt DICER1 protein function with a negative predictive value of 95%. In summary, the available evidence is currently insufficient to determine the role of this variant in disease. Therefore, it has been classified as a Variant of Uncertain Significance.

Baylor Genetics
Classification: Uncertain significance for Global developmental delay - lung cysts - overgrowth - Wilms tumor syndrome. Last evaluated: 2024-01-24. Review status: criteria provided, single submitter. Criteria: ACMG Guidelines, 2015. Collection method: clinical testing. Allele origin: unknown.

Ambry Genetics
Classification: Uncertain significance for Hereditary cancer-predisposing syndrome. Last evaluated: 2024-01-12. Review status: criteria provided, single submitter. Criteria: Ambry Variant Classification Scheme 2023. Collection method: clinical testing. Allele origin: germline.
Comment: The p.A1409G variant (also known as c.4226C>G), located in coding exon 22 of the DICER1 gene, results from a C to G substitution at nucleotide position 4226. The alanine at codon 1409 is replaced by glycine, an amino acid with similar properties. This amino acid position is well conserved in available vertebrate species. In addition, the in silico prediction for this alteration is inconclusive. Since supporting evidence is limited at this time, the clinical significance of this alteration remains unclear.

NM_177438.3(DICER1):c.4226C>G (p.Ala1409Gly)

Gene: DICER1 (dicer 1, ribonuclease III; minus strand). Cytogenetic location: 14q32.13.
Variant type: single nucleotide variant.
Coding change: c.4226C>G on transcript NM_177438.3 (MANE Select); coding-DNA position 4226, C replaced by G.
Protein change: p.Ala1409Gly; replaces alanine 1409 with glycine.
Molecular consequence: missense variant.
Genome position (GRCh38, 1-based): chr14:95,096,694, G>C on the plus strand (C>G on the coding strand, the complement: DICER1 is on the minus strand). VCF-style: chr14-95096694-G-C. GRCh37 (hg19) VCF-style: chr14-95563031-G-C.
Other names: c.4226C>G, p.Ala1409Gly (NM_001195573.1, NM_001271282.3, NM_001291628.2 and 1 more transcripts); short protein forms A1409G.
Identifiers: ClinVar variation 824694 (VCV000824694.16), dbSNP rs776416084, ClinGen allele CA390869824.